The following is an entry in ClinVar:

NM_000481.4(AMT):c.108A>C (p.Thr36=)

Gene: AMT (aminomethyltransferase; minus strand). Cytogenetic location: 3p21.31.
Variant type: single nucleotide variant.
Coding change: c.108A>C on transcript NM_000481.4 (MANE Select); coding-DNA position 108, A replaced by C.
Protein change: p.Thr36=; no amino-acid change (threonine 36 retained).
Molecular consequence: synonymous variant. On other transcripts: non-coding transcript variant (1), intron variant (1).
Genome position (GRCh38, 1-based): chr3:49,422,254, T>G on the plus strand (A>C on the coding strand, the complement: AMT is on the minus strand). VCF-style: chr3-49422254-T-G. GRCh37 (hg19) VCF-style: chr3-49459687-T-G.
Other names: c.108A>C, p.Thr36= (NM_001164710.2, NM_001164712.2); c.90+107A>C (NM_001164711.2).
Identifiers: ClinVar variation 1082551 (VCV001082551.31), dbSNP rs1179441264, ClinGen allele CA433648152.
Genomic context (GRCh38, chr3:49,422,254, plus strand): 5'-ACTCCAACCCGCAAACGCCACCATTTTCCCGCCGTGGGCCAGGTGGAAGTCATAGAGCGG[T>G]GTCCTGCGGAGCACCTCCTGTGGGCGGCTGGGCTTAGTGCCACCAGGGCCCTAGCCCCCA-3'
Protein context (NP_000472.2, residues 26-46): LSCAQEVLRR[Thr36=]PLYDFHLAHG

ClinVar aggregate classification (germline): Likely benign. Review status: criteria provided, multiple submitters, no conflicts (2 of 4 stars). 2 submissions from 2 submitters: Likely benign (2). Last evaluated 2025-12-15.

Conditions:
Glycine encephalopathy. Also called: Non-ketotic hyperglycinemia; Nonketotic hyperglycinemia. Identifiers: Orphanet 407, MedGen C0751748, MONDO:0011612, HP:0008288.

gnomAD v4.1: 2 of 1,613,994 alleles (0.00012%); highest among the groups gnomAD compares: Admixed American, 0.0033%; no homozygotes.

Submissions (2):

Labcorp Genetics (formerly Invitae), Labcorp
Classification: Likely benign for Glycine encephalopathy. Last evaluated: 2025-12-15. Review status: criteria provided, single submitter. Criteria: Invitae Variant Classification Sherloc (09022015). Collection method: clinical testing. Allele origin: germline.

CeGaT Center for Human Genetics Tuebingen
Classification: Likely benign. Last evaluated: 2023-02-01. Review status: criteria provided, single submitter. Criteria: CeGaT Center For Human Genetics Tuebingen Variant Classification Criteria Version 2. Collection method: clinical testing. Allele origin: germline. Affected: yes. Observed: 1 variant allele.
Comment: AMT: PM2:Supporting, BP4, BP7